The following is an entry in ClinVar:

NM_016107.5(ZFR):c.1784A>G (p.Asn595Ser)

Gene: ZFR (zinc finger RNA binding protein; minus strand). Cytogenetic location: 5p13.3.
Variant type: single nucleotide variant.
Coding change: c.1784A>G on transcript NM_016107.5 (MANE Select); coding-DNA position 1784, A replaced by G.
Protein change: p.Asn595Ser; replaces asparagine 595 with serine.
Molecular consequence: missense variant. On other transcripts: non-coding transcript variant (1).
Genome position (GRCh38, 1-based): chr5:32,397,268, T>C on the plus strand (A>G on the coding strand, the complement: ZFR is on the minus strand). VCF-style: chr5-32397268-T-C. GRCh37 (hg19) VCF-style: chr5-32397374-T-C.
Other names: c.1784A>G (NM_016107.3); short protein forms N595S.
Identifiers: ClinVar variation 2080451 (VCV002080451.5), dbSNP rs368796563, ClinGen allele CA116789619.

ClinVar aggregate classification (germline): Uncertain significance. Review status: criteria provided, multiple submitters, no conflicts (2 of 4 stars). 2 submissions from 2 submitters: Uncertain significance (2). Last evaluated 2024-11-15.

Conditions:
Pure or complex autosomal recessive spastic paraplegia. Identifiers: Orphanet 320346, MedGen C5679887, MONDO:0017915.

Allele frequency attached by ClinVar (database versions not stated): gnomAD exomes 0.00001; gnomAD 0.00002; TOPMed 0.00002; ESP Exome Variant Server 0.00008.
gnomAD v4.1: 13 of 1,613,340 alleles (0.00081%); highest among the groups gnomAD compares: Admixed American, 0.0033%; no homozygotes.

Submissions (2):

Ambry Genetics
Classification: Uncertain significance. Last evaluated: 2024-11-15. Review status: criteria provided, single submitter. Criteria: Ambry Variant Classification Scheme 2023. Collection method: clinical testing. Allele origin: germline.

Labcorp Genetics (formerly Invitae), Labcorp
Classification: Uncertain significance for Pure or complex autosomal recessive spastic paraplegia. Last evaluated: 2022-12-02. Review status: criteria provided, single submitter. Criteria: Invitae Variant Classification Sherloc (09022015). Collection method: clinical testing. Allele origin: germline.
Comment: In summary, the available evidence is currently insufficient to determine the role of this variant in disease. Therefore, it has been classified as a Variant of Uncertain Significance. Algorithms developed to predict the effect of missense changes on protein structure and function are either unavailable or do not agree on the potential impact of this missense change (SIFT: "Deleterious"; PolyPhen-2: "Not Available"; Align-GVGD: "Class C45"). This variant has not been reported in the literature in individuals affected with ZFR-related conditions. This variant is present in population databases (rs368796563, gnomAD 0.01%). This sequence change replaces asparagine, which is neutral and polar, with serine, which is neutral and polar, at codon 595 of the ZFR protein (p.Asn595Ser).